The following is an entry in ClinVar:

NM_001369268.1(ACAN):c.5954G>A (p.Ser1985Asn)

Gene: ACAN (aggrecan; plus strand). Cytogenetic location: 15q26.1.
Variant type: single nucleotide variant.
Coding change: c.5954G>A on transcript NM_001369268.1 (MANE Select); coding-DNA position 5954, G replaced by A.
Protein change: p.Ser1985Asn; replaces serine 1985 with asparagine.
Molecular consequence: missense variant.
Genome position (GRCh38, 1-based): chr15:88,858,539, G>A. VCF-style: chr15-88858539-G-A. GRCh37 (hg19) VCF-style: chr15-89401770-G-A.
Other names: c.5954G>A, p.Ser1985Asn (NM_001135.4, NM_001411096.1, NM_001411097.1 and 1 more transcripts); short protein forms S1985N.
Identifiers: ClinVar variation 3770068 (VCV003770068.1).

ClinVar aggregate classification (germline): Uncertain significance (1 of 4 stars; one submission).

gnomAD v4.1: 1 of 1,613,810 alleles (0.000062%); highest among the groups gnomAD compares: Non-Finnish European, 0.000085%; no homozygotes.

Submission:

GeneDx
Classification: Uncertain significance. Last evaluated: 2024-09-12. Review status: criteria provided, single submitter. Criteria: GeneDx Variant Classification Process June 2021. Collection method: clinical testing. Allele origin: germline. Affected: yes.
Comment: In silico analysis indicates that this missense variant does not alter protein structure/function; Has not been previously published as pathogenic or benign to our knowledge